The following is an entry in ClinVar:

ClinVar aggregate classification (germline): Likely pathogenic (0 of 4 stars; one submission).

Conditions:
PTCH1-related disorder. Also called: PTCH1-related disorders; PTCH1-related condition.

Submission:

PreventionGenetics, part of Exact Sciences
Classification: Likely pathogenic for PTCH1-related condition. Last evaluated: 2024-08-13. Review status: no assertion criteria provided. Collection method: clinical testing. Allele origin: germline.
Comment: The PTCH1 c.584+1dupG variant is predicted to result in a duplication affecting a canonical splice site. To our knowledge, this variant has not been reported in the literature or in gnomAD, indicating this variant is rare. However, different variants affecting this splice site have been reported in patients with basal cell nevus syndrome (584+2T>G, 584+1G>A; Fujii et al. 2011. PubMed ID: 21368767, Guo et al. 2013. PubMed ID: 24204797). The c.584+1dupG variant is interpreted as likely pathogenic.

NM_000264.5(PTCH1):c.584+1dup

Gene: PTCH1 (patched 1; minus strand). Cytogenetic location: 9q22.32.
Variant type: Duplication.
Coding change: c.584+1dup on transcript NM_000264.5 (MANE Select); the canonical splice donor site of the intron after coding-DNA position 584, one base duplicated (G; older notation c.584+1dupG).
Molecular consequence: splice donor variant.
Genome position (GRCh38, 1-based): chr9:95,485,684, C duplicated on the plus strand (G on the coding strand, the reverse complement: PTCH1 is on the minus strand); the first of 2 consecutive C bases (chr9:95,485,684-95,485,685); duplicating either gives the same sequence. VCF-style (leftmost placement, unchanged base first): chr9-95485683-A-AC. GRCh37 (hg19) VCF-style: chr9-98247965-A-AC.
Other names: c.581+1dup (NM_001083603.3); c.386+1dup (NM_001083602.3, NM_001354919.2); c.584+1dup (NM_001354918.2); c.131+1dup (NM_001083605.3, NM_001083604.3, NM_001083606.3 and 1 more transcripts).
Identifiers: ClinVar variation 3346725 (VCV003346725.1).